The following is an entry in ClinVar:

NM_000552.5(VWF):c.6274G>A (p.Gly2092Arg)

Gene: VWF (von Willebrand factor; minus strand). Cytogenetic location: 12p13.31.
Variant type: single nucleotide variant.
Coding change: c.6274G>A on transcript NM_000552.5 (MANE Select); coding-DNA position 6274, G replaced by A.
Protein change: p.Gly2092Arg; replaces glycine 2092 with arginine.
Molecular consequence: missense variant.
Genome position (GRCh38, 1-based): chr12:5,994,186, C>T on the plus strand (G>A on the coding strand, the complement: VWF is on the minus strand). VCF-style: chr12-5994186-C-T. GRCh37 (hg19) VCF-style: chr12-6103352-C-T.
Other names: c.6274G>A (NM_000552.4); short protein forms G2092R.
Identifiers: ClinVar variation 3468896 (VCV003468896.2).

ClinVar aggregate classification (germline): Uncertain significance. Review status: criteria provided, multiple submitters, no conflicts (2 of 4 stars). 2 submissions from 2 submitters: Uncertain significance (2). Last evaluated 2026-08-28.

Conditions:
VWF-related disorder. Also called: VWF-related condition; VWF-related disorders.
Inborn genetic diseases. Identifiers: MedGen C0950123, MeSH D030342.

gnomAD v4.1: 12 of 1,613,890 alleles (0.00074%); highest among the groups gnomAD compares: Middle Eastern, 0.016%; no homozygotes.

Submissions (2):

PreventionGenetics, part of Exact Sciences
Classification: Uncertain significance for VWF-related condition. Last evaluated: 2026-08-28. Review status: criteria provided, single submitter. Criteria: ACMG Guidelines, 2015. Collection method: clinical testing. Allele origin: germline.
Comment: The VWF c.6274G>A variant is predicted to result in the amino acid substitution p.Gly2092Arg. To our knowledge, this variant has not been reported in the literature. This variant is reported in 0.0054% of alleles in individuals of East Asian descent in gnomAD. At this time, the clinical significance of this variant is uncertain due to the absence of conclusive functional and genetic evidence.

Ambry Genetics
Classification: Uncertain significance for Inborn genetic diseases. Last evaluated: 2024-08-20. Review status: criteria provided, single submitter. Criteria: Ambry Variant Classification Scheme 2023. Collection method: clinical testing. Allele origin: germline.